The following is an entry in ClinVar:

NM_007192.4(SUPT16H):c.3022GAA[3] (p.Glu1011del)

Genes: SUPT16H (SPT16 homolog, facilitates chromatin remodeling subunit; minus strand), LOC126861887 (BRD4-independent group 4 enhancer GRCh37_chr14:21820143-21821342; plus strand). Cytogenetic location: 14q11.2.
Variant type: Microsatellite.
Coding change: c.3022GAA[3] on transcript NM_007192.4 (MANE Select); three copies in a row of the 3-base unit GAA starting at c.3022; the reference has four copies in a row; one copy, 3 bases deleted.
Protein change: p.Glu1011del; deletes glutamic acid 1011.
Genome position (GRCh38, 1-based): chr14:21,352,784-21,352,786, TTC deleted on the plus strand (GAA on the coding strand, the reverse complement: SUPT16H is on the minus strand); deleting any 3 consecutive bases within chr14:21,352,784-21,352,795 gives the same sequence; the position shown is the placement nearest the transcript's 3' end. VCF-style (leftmost placement, unchanged base first): chr14-21352783-GTTC-G. GRCh37 (hg19) VCF-style: chr14-21820942-GTTC-G.
Other names: short protein forms E1011del.
Identifiers: ClinVar variation 3030422 (VCV003030422.2), dbSNP rs770668791, ClinGen allele CA7089665.

ClinVar aggregate classification (germline): Likely benign (0 of 4 stars; one submission).

Conditions:
SUPT16H-related disorder. Also called: SUPT16H-related condition.

Submission:

PreventionGenetics, part of Exact Sciences
Classification: Likely benign for SUPT16H-related condition. Last evaluated: 2024-01-23. Review status: no assertion criteria provided. Collection method: clinical testing. Allele origin: germline.
Comment: This variant is classified as likely benign based on ACMG/AMP sequence variant interpretation guidelines (Richards et al. 2015 PMID: 25741868, with internal and published modifications).